The following is an entry in ClinVar:

NM_020693.4(DSCAML1):c.292G>A (p.Asp98Asn)

Gene: DSCAML1 (DS cell adhesion molecule like 1; minus strand). Cytogenetic location: 11q23.3.
Variant type: single nucleotide variant.
Coding change: c.292G>A on transcript NM_020693.4 (MANE Select); coding-DNA position 292, G replaced by A.
Protein change: p.Asp98Asn; replaces aspartic acid 98 with asparagine.
Molecular consequence: missense variant. On other transcripts: 5 prime UTR variant (1).
Genome position (GRCh38, 1-based): chr11:117,780,565, C>T on the plus strand (G>A on the coding strand, the complement: DSCAML1 is on the minus strand). VCF-style: chr11-117780565-C-T. GRCh37 (hg19) VCF-style: chr11-117651280-C-T.
Other names: c.292G>A, p.Asp98Asn (NM_001367904.1); c.-117G>A (NM_001367905.1); short protein forms D98N.
Identifiers: ClinVar variation 2127179 (VCV002127179.4), dbSNP rs1276241297, ClinGen allele CA382760651.

ClinVar aggregate classification (germline): Uncertain significance (1 of 4 stars; one submission).

Allele frequency attached by ClinVar (database versions not stated): TOPMed below 0.00001.

Submission:

Labcorp Genetics (formerly Invitae), Labcorp
Classification: Uncertain significance. Last evaluated: 2025-08-03. Review status: criteria provided, single submitter. Criteria: Invitae Variant Classification Sherloc (09022015). Collection method: clinical testing. Allele origin: germline.
Comment: This sequence change replaces aspartic acid, which is acidic and polar, with asparagine, which is neutral and polar, at codon 158 of the DSCAML1 protein (p.Asp158Asn). This variant is not present in population databases (gnomAD no frequency). This variant has not been reported in the literature in individuals affected with DSCAML1-related conditions. ClinVar contains an entry for this variant (Variation ID: 2127179). An algorithm developed to predict the effect of missense changes on protein structure and function (PolyPhen-2) suggests that this variant is likely to be disruptive. In summary, the available evidence is currently insufficient to determine the role of this variant in disease. Therefore, it has been classified as a Variant of Uncertain Significance.